The following is an entry in ClinVar:

ClinVar aggregate classification (germline): Uncertain significance (1 of 4 stars; one submission).

Allele frequency attached by ClinVar (database versions not stated): TOPMed 0.00001.

Submission:

GeneDx
Classification: Uncertain significance. Last evaluated: 2022-06-03. Review status: criteria provided, single submitter. Criteria: GeneDx Variant Classification Process June 2021. Collection method: clinical testing. Allele origin: germline. Affected: yes.
Comment: Canonical splice site variant in a gene or region of a gene for which loss of function is not a well-established mechanism of disease; Not observed at significant frequency in large population cohorts (gnomAD); Has not been previously published as pathogenic or benign to our knowledge

NM_001070.5(TUBG1):c.479+1G>A

Gene: TUBG1 (tubulin gamma 1; plus strand). Cytogenetic location: 17q21.2.
Variant type: single nucleotide variant.
Coding change: c.479+1G>A on transcript NM_001070.5 (MANE Select); the canonical splice donor site of the intron after coding-DNA position 479, G replaced by A.
Molecular consequence: splice donor variant.
Genome position (GRCh38, 1-based): chr17:42,612,507, G>A. VCF-style: chr17-42612507-G-A. GRCh37 (hg19) VCF-style: chr17-40764525-G-A.
Identifiers: ClinVar variation 1801961 (VCV001801961.1), dbSNP rs1311185865, ClinGen allele CA399623101.